The following is an entry in ClinVar:

ClinVar aggregate classification (germline): Benign (0 of 4 stars; one submission).

Conditions:
STAG2-related disorder. Also called: STAG2-Related Disorders.

Submission:

PreventionGenetics, part of Exact Sciences
Classification: Benign for STAG2-related condition. Last evaluated: 2019-08-07. Review status: no assertion criteria provided. Collection method: clinical testing. Allele origin: germline.
Comment: This variant is classified as benign based on ACMG/AMP sequence variant interpretation guidelines (Richards et al. 2015 PMID: 25741868, with internal and published modifications).

NM_001042750.2(STAG2):c.2097-7_2097-5del

Gene: STAG2 (STAG2 cohesin complex component; plus strand). Cytogenetic location: Xq25.
Variant type: Deletion.
Coding change: c.2097-7_2097-5del on transcript NM_001042750.2 (MANE Select); 7 bases into the intron before coding-DNA position 2097 through 5 bases into the intron before coding-DNA position 2097, 3 bases deleted (TTT; older notation c.2097-7_2097-5delTTT).
Molecular consequence: intron variant.
Genome position (GRCh38, 1-based): chrX:124,066,168-124,066,170, TTT deleted; deleting any 3 consecutive bases within chrX:124,066,144-124,066,170 gives the same sequence; the c. name uses the placement nearest the transcript's 3' end. VCF-style (leftmost placement, unchanged base first): chrX-124066143-ATTT-A. GRCh37 (hg19) VCF-style: chrX-123199993-ATTT-A.
Other names: c.2097-7_2097-5del (NM_001042749.2, NM_001375366.1, NM_001375373.1 and 13 more transcripts); c.2097-7_2097-5delTTT (NM_001042749.2).
Identifiers: ClinVar variation 3058952 (VCV003058952.2), dbSNP rs748906058, ClinGen allele CA10508938.